The following is an entry in ClinVar:

NC_000016.9:g.(?_2110656)_(2115646_?)del

Gene: TSC2 (TSC complex subunit 2; plus strand). Cytogenetic location: 16p13.3.
Variant type: Deletion.
Identifiers: ClinVar variation 3243447 (VCV003243447.1).

ClinVar aggregate classification (germline): Pathogenic (1 of 4 stars; one submission).

Conditions:
Tuberous sclerosis 2 (TSC2). Identifiers: Orphanet 805, MedGen C1860707, MONDO:0013199, OMIM 613254.

Submission:

Labcorp Genetics (formerly Invitae), Labcorp
Classification: Pathogenic for Tuberous sclerosis 2. Last evaluated: 2023-07-06. Review status: criteria provided, single submitter. Criteria: Invitae Variant Classification Sherloc (09022015). Collection method: clinical testing. Allele origin: unknown.
Comment: For these reasons, this variant has been classified as Pathogenic. The region of the TSC2 gene that includes exon(s) 16 has been determined to be clinically significant (PMID: 16114042, 21520333, 25782670). Therefore, deletions that encompass that region are likely to be disease-causing. This variant has not been reported in the literature in individuals affected with TSC2-related conditions. This variant is a gross deletion of the genomic region encompassing exon(s) 11-16 of the TSC2 gene. This variant would be expected to be in-frame, preserving the integrity of the reading frame.

Literature cited by the submitters: PubMed 16114042; PubMed 21520333; PubMed 25782670.